The following is an entry in ClinVar:

NM_002693.3(POLG):c.3149del (p.Lys1050fs)

Gene: POLG (DNA polymerase gamma, catalytic subunit; minus strand). Cytogenetic location: 15q26.1.
Variant type: Deletion.
Coding change: c.3149del on transcript NM_002693.3 (MANE Select); coding-DNA position 3149, one base deleted (A; older notation c.3149delA).
Protein change: p.Lys1050fs; shifts the reading frame from lysine 1050.
Molecular consequence: frameshift variant.
Genome position (GRCh38, 1-based): chr15:89,319,055, T deleted on the plus strand (A on the coding strand, the reverse complement: POLG is on the minus strand); the first of 2 consecutive T bases (chr15:89,319,055-89,319,056); deleting either gives the same sequence. VCF-style (leftmost placement, unchanged base first): chr15-89319054-CT-C. GRCh37 (hg19) VCF-style: chr15-89862285-CT-C.
Other names: c.3149del, p.Lys1050fs (NM_001126131.2); short protein forms K1050fs.
Identifiers: ClinVar variation 619309 (VCV000619309.2), dbSNP rs1567185603, ClinGen allele CA10602259.
Genomic context (GRCh38, chr15:89,319,054, plus strand): 5'-TGGTATGTCAGACGTAGCAATGCTCTCAAGCTTATTGAACATTTCTGACTCTGTGCCCCC[CT>C]TCCATGCCCGTTCAGCAACCACCTCCCACTTCTTCCACTGTGACCTAAGGGACCAGAAAC-3'

ClinVar aggregate classification (germline): Pathogenic. Review status: criteria provided, multiple submitters, no conflicts (2 of 4 stars). 2 submissions from 2 submitters: Pathogenic (2). Last evaluated 2026-04-01.

Conditions:
POLG-related disorder. Also called: POLG-related condition; POLG-Related Disorders; POLG-Related Spectrum Disorders. Identifiers: MedGen C4763519.
Progressive sclerosing poliodystrophy (MTDPS4A). Also called: NEURONAL DEGENERATION OF CHILDHOOD WITH LIVER DISEASE, PROGRESSIVE; ALPERS PROGRESSIVE INFANTILE POLIODYSTROPHY; Mitochondrial DNA depletion syndrome 4A (Alpers type); Alpers Syndrome; ALPERS DIFFUSE DEGENERATION OF CEREBRAL GRAY MATTER WITH HEPATIC CIRRHOSIS; Alpers-Huttenlocher Syndrome. Identifiers: Orphanet 726, MedGen C0205710, MONDO:0008758, OMIM 203700.

Submissions (2):

Myriad Genetics, Inc.
Classification: Pathogenic for POLG-related disorder. Last evaluated: 2026-04-01. Review status: criteria provided, single submitter. Criteria: Myriad Autosomal Dominant, Autosomal Recessive and X-Linked Classification Criteria (2023). Collection method: clinical testing. Allele origin: unknown.
Comment: NM_002693.2(POLG):c.3149delA(K1050Rfs*44) is expected to be pathogenic in the context of POLG-related disorders. This variant is predicted to lead to an abnormal or absent protein product due to the creation of a premature termination codon in POLG, a gene where loss-of-function variants are known to be pathogenic. Please note: this variant was assessed in the context of healthy population screening.

Wong Mito Lab, Molecular and Human Genetics, Baylor College of Medicine
Classification: Pathogenic for Progressive sclerosing poliodystrophy. Last evaluated: 2018-10-01. Review status: criteria provided, single submitter. Criteria: ACMG Guidelines, 2015. Collection method: clinical testing. Allele origin: germline.
Comment: The NM_002693.2:c.3149del (NP_002684.1:p.Lys1050ArgfsTer?) [GRCH38: NC_000015.10:g.89319056del] variant in POLG gene is interpretated to be a Pathogenic based on ACMG guidelines (PMID: 25741868). This variant meets the following evidence codes reported in the ACMG-guideline. PVS1:This variant is a predicted null variant in POLG where loss of function is a known mechanism of disease. PM2:This variant is absent in key population databases. PM3:Detected in trans with a pathogenic variant for Mitochondrial DNA depletion syndrome 4A (Alpers type) which is a recessive disorder. PM4:This variant causes alteration in the length of expressed protein. PP1:This variant is co-segregated with Mitochondrial DNA depletion syndrome 4A (Alpers type) in multiple affected family members. PP4:Patient's phenotype or family history is highly specific for POLG. Based on the evidence criteria codes applied, the variant is suggested to be Pathogenic.